The following is an entry in ClinVar:

NM_001330078.2(NRXN1):c.1333AAT[1] (p.Asn446del)

Gene: NRXN1 (neurexin 1; minus strand). Cytogenetic location: 2p16.3.
Variant type: Microsatellite.
Coding change: c.1333AAT[1] on transcript NM_001330078.2 (MANE Select); one copy of the 3-base unit AAT starting at c.1333; the reference has two copies in a row; one copy, 3 bases deleted.
Protein change: p.Asn446del; deletes asparagine 446.
Molecular consequence: inframe deletion.
Genome position (GRCh38, 1-based): chr2:50,553,008-50,553,010, ATT deleted on the plus strand (AAT on the coding strand, the reverse complement: NRXN1 is on the minus strand); deleting any 3 consecutive bases within chr2:50,553,008-50,553,013 gives the same sequence; the position shown is the placement nearest the transcript's 3' end. VCF-style (leftmost placement, unchanged base first): chr2-50553007-CATT-C. GRCh37 (hg19) VCF-style: chr2-50780145-CATT-C.
Other names: c.1453AAT[1], p.Asn486del (NM_001135659.3); c.1309AAT[1], p.Asn438del (NM_001330077.2, NM_001330082.2, NM_001330095.2); c.1294AAT[1], p.Asn433del (NM_001330083.2, NM_001330084.2); c.1333AAT[1], p.Asn446del (NM_001330085.2, NM_001330086.2, NM_004801.6); c.1249AAT[1], p.Asn418del (NM_001330087.2, NM_001330096.2); c.1279AAT[1], p.Asn428del (NM_001330088.2); c.1330AAT[1], p.Asn445del (NM_001330093.2); c.1321AAT[1], p.Asn442del (NM_001330094.2); short protein forms N418del, N428del, N433del, N438del, N442del, N445del, N446del, N486del.
Identifiers: ClinVar variation 1000840 (VCV001000840.6), dbSNP rs1667753338, ClinGen allele CA1249627260.

ClinVar aggregate classification (germline): Uncertain significance (1 of 4 stars; one submission).

Conditions:
Pitt-Hopkins-like syndrome 2 (PTHSL2). Identifiers: Orphanet 221150, Orphanet 600663, MedGen C3280479, MONDO:0013690, OMIM 614325.

Submission:

Labcorp Genetics (formerly Invitae), Labcorp
Classification: Uncertain significance for Pitt-Hopkins-like syndrome 2. Last evaluated: 2024-02-05. Review status: criteria provided, single submitter. Criteria: Invitae Variant Classification Sherloc (09022015). Collection method: clinical testing. Allele origin: germline.
Comment: This variant, c.1456_1458del, results in the deletion of 1 amino acid(s) of the NRXN1 protein (p.Asn486del), but otherwise preserves the integrity of the reading frame. This variant is not present in population databases (gnomAD no frequency). This variant has not been reported in the literature in individuals affected with NRXN1-related conditions. Experimental studies and prediction algorithms are not available or were not evaluated, and the functional significance of this variant is currently unknown. In summary, the available evidence is currently insufficient to determine the role of this variant in disease. Therefore, it has been classified as a Variant of Uncertain Significance.